The following is an entry in ClinVar:

ClinVar aggregate classification (germline): Uncertain significance (1 of 4 stars; one submission).

Allele frequency attached by ClinVar (database versions not stated): gnomAD 0.00001; TOPMed 0.00002.
gnomAD v4.1: 6 of 1,609,180 alleles (0.00037%); highest among the groups gnomAD compares: East Asian, 0.0022%; no homozygotes.

Submission:

Labcorp Genetics (formerly Invitae), Labcorp
Classification: Uncertain significance. Last evaluated: 2026-01-15. Review status: criteria provided, single submitter. Criteria: Invitae Variant Classification Sherloc (09022015). Collection method: clinical testing. Allele origin: germline.
Comment: This sequence change replaces proline, which is neutral and non-polar, with serine, which is neutral and polar, at codon 499 of the ARID2 protein (p.Pro499Ser). This variant is not present in population databases (gnomAD no frequency). This variant has not been reported in the literature in individuals affected with ARID2-related conditions. ClinVar contains an entry for this variant (Variation ID: 970626). An algorithm developed to predict the effect of missense changes on protein structure and function outputs the following: PolyPhen-2: "Benign". The serine amino acid residue is found in multiple mammalian species, which suggests that this missense change does not adversely affect protein function. In summary, the available evidence is currently insufficient to determine the role of this variant in disease. Therefore, it has been classified as a Variant of Uncertain Significance.

NM_152641.4(ARID2):c.1495C>T (p.Pro499Ser)

Gene: ARID2 (AT-rich interaction domain 2; plus strand). Cytogenetic location: 12q12.
Variant type: single nucleotide variant.
Coding change: c.1495C>T on transcript NM_152641.4 (MANE Select); coding-DNA position 1495, C replaced by T.
Protein change: p.Pro499Ser; replaces proline 499 with serine.
Molecular consequence: missense variant.
Genome position (GRCh38, 1-based): chr12:45,839,493, C>T. VCF-style: chr12-45839493-C-T. GRCh37 (hg19) VCF-style: chr12-46233276-C-T.
Other names: c.1495C>T, p.Pro499Ser (NM_001347839.2); short protein forms P499S.
Identifiers: ClinVar variation 970626 (VCV000970626.9), dbSNP rs369756763, ClinGen allele CA236391762.